The following is an entry in ClinVar:

ClinVar aggregate classification (germline): Likely benign. Review status: reviewed by expert panel (3 of 4 stars). 3 submissions from 3 submitters: Likely benign (1). 2 of the submissions do not count toward it. Last evaluated 2017-06-29.

Conditions:
Hereditary cancer-predisposing syndrome. Also called: Hereditary Cancer Syndrome; Neoplastic Syndromes, Hereditary; Tumor predisposition; Hereditary neoplastic syndrome. Identifiers: Orphanet 140162, MedGen C0027672, MeSH D009386, MONDO:0015356.
Breast-ovarian cancer, familial, susceptibility to, 2 (BROVCA2). Also called: BRCA2 Hereditary Breast and Ovarian Cancer. Identifiers: Orphanet 145, MedGen C2675520, MONDO:0012933, OMIM 612555. Disease mechanism: loss of function.
Hereditary breast ovarian cancer syndrome. Also called: Hereditary breast and/or ovarian cancer syndrome; BRCA1- and BRCA2-Associated Hereditary Breast and Ovarian Cancer; Hereditary breast and ovarian cancer syndrome (HBOC); Hereditary breast and ovarian cancer; Hereditary breast and ovarian cancer syndrome; Breast and ovarian cancer. Identifiers: Orphanet 145, MedGen C0677776, MeSH D061325, MONDO:0003582. Disease mechanism: loss of function.

gnomAD v4.1: 1 of 1,614,146 alleles (0.000062%); highest among the groups gnomAD compares: Non-Finnish European, 0.000085%; no homozygotes.

Submissions (3):

Evidence-based Network for the Interpretation of Germline Mutant Alleles (ENIGMA)
Classification: Likely benign for Breast-ovarian cancer, familial, susceptibility to, 2. Last evaluated: 2017-06-29. Review status: reviewed by expert panel. Criteria: ENIGMA BRCA1/2 Classification Criteria (2017-06-29). Collection method: curation. Allele origin: germline.
Comment: Synonymous substitution variant, with low bioinformatic likelihood to result in a splicing aberration (Splicing prior probability 0.02).

Labcorp Genetics (formerly Invitae), Labcorp
Classification: Likely benign for Hereditary breast ovarian cancer syndrome. Last evaluated: 2024-12-11. Review status: criteria provided, single submitter. Criteria: Invitae Variant Classification Sherloc (09022015). Collection method: clinical testing. Allele origin: germline. Not counted in ClinVar's aggregate classification.

Ambry Genetics
Classification: Likely benign for Hereditary cancer-predisposing syndrome. Last evaluated: 2015-07-17. Review status: criteria provided, single submitter. Criteria: Ambry Variant Classification Scheme 2023. Collection method: clinical testing. Allele origin: germline. Not counted in ClinVar's aggregate classification.

NM_000059.4(BRCA2):c.8055A>T (p.Thr2685=)

Gene: BRCA2 (BRCA2 DNA repair associated; plus strand). Cytogenetic location: 13q13.1.
Variant type: single nucleotide variant.
Coding change: c.8055A>T on transcript NM_000059.4 (MANE Select); coding-DNA position 8055, A replaced by T.
Protein change: p.Thr2685=; no amino-acid change (threonine 2685 retained).
Molecular consequence: synonymous variant.
Genome position (GRCh38, 1-based): chr13:32,363,257, A>T. VCF-style: chr13-32363257-A-T. GRCh37 (hg19) VCF-style: chr13-32937394-A-T.
Identifiers: ClinVar variation 233014 (VCV000233014.15), dbSNP rs876660133, ClinGen allele CA10579766.